The following is an entry in ClinVar:

NM_017780.4(CHD7):c.5764C>T (p.Arg1922Cys)

Gene: CHD7 (chromodomain helicase DNA binding protein 7; plus strand). Cytogenetic location: 8q12.2.
Variant type: single nucleotide variant.
Coding change: c.5764C>T on transcript NM_017780.4 (MANE Select); coding-DNA position 5764, C replaced by T.
Protein change: p.Arg1922Cys; replaces arginine 1922 with cysteine.
Molecular consequence: missense variant. On other transcripts: intron variant (1).
Genome position (GRCh38, 1-based): chr8:60,852,117, C>T. VCF-style: chr8-60852117-C-T. GRCh37 (hg19) VCF-style: chr8-61764676-C-T.
Other names: c.1717-10112C>T (NM_001316690.1); short protein forms R1922C.
Identifiers: ClinVar variation 3602921 (VCV003602921.1).
Genomic context (GRCh38, chr8:60,852,117, plus strand): 5'-TACTGGCCTAACACTTCAACCCTGACTACACGTCTGCGCCGGCTCATTACTGCCTATCAG[C>T]GCAGCTATAAAAGGCAACAGATGAGGCAAGAGGCCCTAATGAAGACTGACCGGCGCAGAC-3'
Protein context (NP_060250.2, residues 1912-1932): RLRRLITAYQ[Arg1922Cys]SYKRQQMRQE

ClinVar aggregate classification (germline): Uncertain significance (1 of 4 stars; one submission).

gnomAD v4.1: 3 of 1,613,862 alleles (0.00019%); highest among the groups gnomAD compares: African/African-American, 0.0013%; no homozygotes.

Submission:

GeneDx
Classification: Uncertain significance. Last evaluated: 2024-08-05. Review status: criteria provided, single submitter. Criteria: GeneDx Variant Classification Process June 2021. Collection method: clinical testing. Allele origin: germline. Affected: yes.
Comment: Not observed at significant frequency in large population cohorts (gnomAD); In silico analysis supports that this missense variant has a deleterious effect on protein structure/function; Has not been previously published as pathogenic or benign to our knowledge